The following is an entry in ClinVar:

NM_152564.5(VPS13B):c.4570G>T (p.Val1524Phe)

Gene: VPS13B (vacuolar protein sorting 13 homolog B; plus strand). Cytogenetic location: 8q22.2.
Variant type: single nucleotide variant.
Coding change: c.4570G>T on transcript NM_152564.5 (MANE Select); coding-DNA position 4570, G replaced by T.
Protein change: p.Val1524Phe; replaces valine 1524 with phenylalanine.
Molecular consequence: missense variant.
Genome position (GRCh38, 1-based): chr8:99,511,449, G>T. VCF-style: chr8-99511449-G-T. GRCh37 (hg19) VCF-style: chr8-100523677-G-T.
Other names: c.4645G>T (NM_017890.3); c.4645G>T, p.Val1549Phe (NM_017890.5); c.4570G>T (NM_152564.4); short protein forms V1524F, V1549F.
Identifiers: ClinVar variation 196182 (VCV000196182.12), dbSNP rs200774003, ClinGen allele CA243049.
Genomic context (GRCh38, chr8:99,511,449, plus strand): 5'-TCTCCTGGTCAGCCCATGAGGACCCATACACTGACATCCCGCAATTTACCTTTGATTTAT[G>T]TCAACACAAGTGTAATCAGAATTTTTATTCCAAAAACAGAAGAAATGCAGCCAACTGTTG-3'
Protein context (NP_689777.3, residues 1514-1534): LTSRNLPLIY[Val1524Phe]NTSVIRIFIP

ClinVar aggregate classification (germline): Conflicting classifications of pathogenicity. Review status: criteria provided, conflicting classifications (1 of 4 stars). 6 submissions from 6 submitters: Uncertain significance (4); Likely benign (1). 1 of the submissions does not count toward it. Last evaluated 2025-06-18.

Conditions:
VPS13B-related disorder. Also called: VPS13B-related condition.
Inborn genetic diseases. Identifiers: MedGen C0950123, MeSH D030342.
Cohen syndrome (COH1). Also called: Cutis verticis gyrata, retinitis pigmentosa, and sensorineural deafness; PEPPER SYNDROME. Identifiers: Orphanet 193, MedGen C0265223, MONDO:0008999, OMIM 216550.

Allele frequency attached by ClinVar (database versions not stated): gnomAD 0.00003 and 0.00002; ExAC 0.00008; 1000 Genomes Project 30x 0.00016; 1000 Genomes Project 0.00020.
gnomAD v4.1: 35 of 1,613,440 alleles (0.0022%); highest among the groups gnomAD compares: Admixed American, 0.05%; no homozygotes.

Submissions (6):

Ambry Genetics
Classification: Uncertain significance for Inborn genetic diseases. Last evaluated: 2025-06-18. Review status: criteria provided, single submitter. Criteria: Ambry Variant Classification Scheme 2023. Collection method: clinical testing. Allele origin: germline.

Blueprint Genetics
Classification: Likely benign. Last evaluated: 2023-10-14. Review status: criteria provided, single submitter. Criteria: ACMG Guidelines, 2015. Collection method: clinical testing. Allele origin: germline.

Labcorp Genetics (formerly Invitae), Labcorp
Classification: Uncertain significance for Cohen syndrome. Last evaluated: 2022-10-24. Review status: criteria provided, single submitter. Criteria: Invitae Variant Classification Sherloc (09022015). Collection method: clinical testing. Allele origin: germline.
Comment: This sequence change replaces valine, which is neutral and non-polar, with phenylalanine, which is neutral and non-polar, at codon 1549 of the VPS13B protein (p.Val1549Phe). This variant is present in population databases (rs200774003, gnomAD 0.06%). This variant has not been reported in the literature in individuals affected with VPS13B-related conditions. ClinVar contains an entry for this variant (Variation ID: 196182). Advanced modeling of protein sequence and biophysical properties (such as structural, functional, and spatial information, amino acid conservation, physicochemical variation, residue mobility, and thermodynamic stability) performed at Invitae indicates that this missense variant is not expected to disrupt VPS13B protein function. In summary, the available evidence is currently insufficient to determine the role of this variant in disease. Therefore, it has been classified as a Variant of Uncertain Significance.

Department of Pathology and Laboratory Medicine, Sinai Health System
Classification: Uncertain significance for Cohen syndrome. Last evaluated: 2021-07-30. Review status: criteria provided, single submitter. Criteria: ACMG Guidelines, 2015. Collection method: research. Allele origin: germline.

Eurofins Ntd Llc (ga)
Classification: Uncertain significance. Last evaluated: 2014-07-09. Review status: criteria provided, single submitter. Criteria: EGL Classification Definitions 2015. Collection method: clinical testing. Allele origin: germline. Observed: 2 variant alleles, 2 heterozygotes.

PreventionGenetics, part of Exact Sciences
Classification: Uncertain significance for VPS13B-related condition. Last evaluated: 2024-02-21. Review status: no assertion criteria provided. Collection method: clinical testing. Allele origin: germline. Not counted in ClinVar's aggregate classification.
Comment: The VPS13B c.4570G>T variant is predicted to result in the amino acid substitution p.Val1524Phe. To our knowledge, this variant has not been reported in the literature. This variant is reported in 0.067% of alleles in individuals of Latino descent in gnomAD, which is likely too common to be a primary cause of disease. Although we suspect that this variant may be benign, at this time, the clinical significance of this variant is uncertain due to the absence of conclusive functional and genetic evidence.